The following is an entry in ClinVar:

NM_001101426.4(CRPPA):c.676T>C (p.Tyr226His)

Gene: CRPPA (CDP-L-ribitol pyrophosphorylase A; minus strand). Cytogenetic location: 7p21.2.
Variant type: single nucleotide variant.
Coding change: c.676T>C on transcript NM_001101426.4 (MANE Select); coding-DNA position 676, T replaced by C.
Protein change: p.Tyr226His; replaces tyrosine 226 with histidine.
Molecular consequence: missense variant. On other transcripts: non-coding transcript variant (1), intron variant (1).
Genome position (GRCh38, 1-based): chr7:16,376,100, A>G on the plus strand (T>C on the coding strand, the complement: CRPPA is on the minus strand). VCF-style: chr7-16376100-A-G. GRCh37 (hg19) VCF-style: chr7-16415725-A-G.
Other names: c.676T>C, p.Tyr226His (NM_001368197.1); c.534+29961T>C (NM_001101417.4); short protein forms Y226H.
Identifiers: ClinVar variation 959007 (VCV000959007.10), dbSNP rs1282788711, ClinGen allele CA367001898.
Genomic context (GRCh38, chr7:16,376,100, plus strand): 5'-GTTTGGGGAACCTGACATAACAGCAGCTTATTCAAAAAGCCCAAATTCTTACCTGCTGAT[A>G]TGCTTCATAAATCACATCAAATAGAAAAGCTTGGGGCATTTCACTTGCTCTGTGTCTGGC-3'
Protein context (NP_001094896.1, residues 216-236): AFLFDVIYEA[Tyr226His]QQCSDYDLEF

ClinVar aggregate classification (germline): Likely pathogenic (1 of 4 stars; one submission).

Conditions:
Autosomal recessive limb-girdle muscular dystrophy type 2U. Also called: Muscular dystrophy-dystroglycanopathy (limb-girdle), type c, 7; MUSCULAR DYSTROPHY, LIMB-GIRDLE, TYPE 2U. Identifiers: Orphanet 352479, MedGen C5190987, MONDO:0014474, OMIM 616052.
Muscular dystrophy-dystroglycanopathy (congenital with brain and eye anomalies), type A, 7. Also called: Congenital muscular dystrophy-dystroglycanopathy with brain and eye anomalies, type A7; WALKER-WARBURG SYNDROME OR MUSCLE-EYE-BRAIN DISEASE, ISPD-RELATED. Identifiers: Orphanet 899, MedGen C3553330, MONDO:0013835, OMIM 614643.

Allele frequency attached by ClinVar (database versions not stated): gnomAD exomes 0.00001.
gnomAD v4.1: 9 of 1,588,156 alleles (0.00057%); highest among the groups gnomAD compares: Admixed American, 0.0018%; no homozygotes.

Submission:

Labcorp Genetics (formerly Invitae), Labcorp
Classification: Likely pathogenic for Muscular dystrophy-dystroglycanopathy (congenital with brain and eye anomalies), type A, 7; Autosomal recessive limb-girdle muscular dystrophy type 2U. Last evaluated: 2023-12-11. Review status: criteria provided, single submitter. Criteria: Invitae Variant Classification Sherloc (09022015). Collection method: clinical testing. Allele origin: germline.
Comment: This sequence change replaces tyrosine, which is neutral and polar, with histidine, which is basic and polar, at codon 226 of the ISPD protein (p.Tyr226His). This variant is present in population databases (no rsID available, gnomAD 0.002%). This missense change has been observed in individual(s) with cobblestone lissencephaly and/or limb-girdle muscular dystrophy (PMID: 23217329, 26404900). In at least one individual the data is consistent with being in trans (on the opposite chromosome) from a pathogenic variant. ClinVar contains an entry for this variant (Variation ID: 959007). Advanced modeling of protein sequence and biophysical properties (such as structural, functional, and spatial information, amino acid conservation, physicochemical variation, residue mobility, and thermodynamic stability) performed at Invitae indicates that this missense variant is not expected to disrupt ISPD protein function with a negative predictive value of 80%. This variant disrupts the p.Tyr226 amino acid residue in ISPD. Other variant(s) that disrupt this residue have been determined to be pathogenic (PMID: 23288328). This suggests that this residue is clinically significant, and that variants that disrupt this residue are likely to be disease-causing. In summary, the currently available evidence indicates that the variant is pathogenic, but additional data are needed to prove that conclusively. Therefore, this variant has been classified as Likely Pathogenic.

Literature cited by the submitters: PubMed 23217329; PubMed 26404900; PubMed 23288328.